The following is an entry in ClinVar:

ClinVar aggregate classification (germline): Uncertain significance (1 of 4 stars; one submission).

Conditions:
Inborn genetic diseases. Identifiers: MedGen C0950123, MeSH D030342.

Allele frequency attached by ClinVar (database versions not stated): ExAC 0.00001; gnomAD exomes 0.00001; gnomAD 0.00002; TOPMed 0.00003; 1000 Genomes Project 0.00020; 1000 Genomes Project 30x 0.00031.
gnomAD v4.1: 10 of 1,613,422 alleles (0.00062%); highest among the groups gnomAD compares: Admixed American, 0.012%; no homozygotes.

Submission:

Ambry Genetics
Classification: Uncertain significance for Inborn genetic diseases. Last evaluated: 2022-06-06. Review status: criteria provided, single submitter. Criteria: Ambry Variant Classification Scheme 2023. Collection method: clinical testing. Allele origin: germline.
Comment: The p.P657L variant (also known as c.1970C>T), located in coding exon 14 of the KRIT1 gene, results from a C to T substitution at nucleotide position 1970. The proline at codon 657 is replaced by leucine, an amino acid with similar properties. This amino acid position is conserved. In addition, this alteration is predicted to be tolerated by in silico analysis. Since supporting evidence is limited at this time, the clinical significance of this alteration remains unclear.

NM_194454.3(KRIT1):c.1970C>T (p.Pro657Leu)

Gene: KRIT1 (KRIT1 ankyrin repeat containing; minus strand). Cytogenetic location: 7q21.2.
Variant type: single nucleotide variant.
Coding change: c.1970C>T on transcript NM_194454.3 (MANE Select); coding-DNA position 1970, C replaced by T.
Protein change: p.Pro657Leu; replaces proline 657 with leucine.
Molecular consequence: missense variant.
Genome position (GRCh38, 1-based): chr7:92,213,250, G>A on the plus strand (C>T on the coding strand, the complement: KRIT1 is on the minus strand). VCF-style: chr7-92213250-G-A. GRCh37 (hg19) VCF-style: chr7-91842564-G-A.
Other names: c.1826C>T, p.Pro609Leu (NM_001013406.2, NM_001350669.1, NM_001350670.1); c.1256C>T, p.Pro419Leu (NM_001350671.1); c.1970C>T, p.Pro657Leu (NM_001350672.1, NM_001350673.1, NM_001350674.1 and 26 more transcripts); short protein forms P609L, P419L, P657L.
Identifiers: ClinVar variation 1783614 (VCV001783614.2), dbSNP rs527290163, ClinGen allele CA4338994.